The following is an entry in ClinVar:

NM_001039591.3(USP9X):c.6271A>G (p.Asn2091Asp)

Gene: USP9X (ubiquitin specific peptidase 9 X-linked; plus strand). Cytogenetic location: Xp11.4.
Variant type: single nucleotide variant.
Coding change: c.6271A>G on transcript NM_001039591.3 (MANE Select); coding-DNA position 6271, A replaced by G.
Protein change: p.Asn2091Asp; replaces asparagine 2091 with aspartic acid.
Molecular consequence: missense variant.
Genome position (GRCh38, 1-based): chrX:41,218,433, A>G. VCF-style: chrX-41218433-A-G. GRCh37 (hg19) VCF-style: chrX-41077686-A-G.
Other names: c.6271A>G, p.Asn2091Asp (NM_001039590.3); c.6286A>G, p.Asn2096Asp (NM_001410748.1, NM_001410749.1); short protein forms N2091D, N2096D.
Identifiers: ClinVar variation 3906425 (VCV003906425.1).

ClinVar aggregate classification (germline): Uncertain significance (1 of 4 stars; one submission).

Submission:

GeneDx
Classification: Uncertain significance. Last evaluated: 2024-12-22. Review status: criteria provided, single submitter. Criteria: GeneDx Variant Classification Process June 2021. Collection method: clinical testing. Allele origin: germline. Affected: yes.
Comment: In silico analysis supports that this missense variant has a deleterious effect on protein structure/function; Not observed at significant frequency in large population cohorts (gnomAD); Has not been previously published as pathogenic or benign to our knowledge